The following is an entry in ClinVar:

ClinVar aggregate classification (germline): Uncertain significance (0 of 4 stars; one submission).

Conditions:
SEMA3A-related disorder. Also called: SEMA3A-related condition.

gnomAD v4.1: 2 of 1,607,884 alleles (0.00012%); highest among the groups gnomAD compares: Admixed American, 0.0017%; no homozygotes.

Submission:

PreventionGenetics, part of Exact Sciences
Classification: Uncertain significance for SEMA3A-related condition. Last evaluated: 2024-05-06. Review status: no assertion criteria provided. Collection method: clinical testing. Allele origin: germline.
Comment: The SEMA3A c.801G>C variant is predicted to result in the amino acid substitution p.Gln267His. To our knowledge, this variant has not been reported in the literature or in a large population database, indicating this variant is rare. At this time, the clinical significance of this variant is uncertain due to the absence of conclusive functional and genetic evidence.

NM_006080.3(SEMA3A):c.801G>C (p.Gln267His)

Gene: SEMA3A (semaphorin 3A; minus strand). Cytogenetic location: 7q21.11.
Variant type: single nucleotide variant.
Coding change: c.801G>C on transcript NM_006080.3 (MANE Select); coding-DNA position 801, G replaced by C.
Protein change: p.Gln267His; replaces glutamine 267 with histidine.
Molecular consequence: missense variant.
Genome position (GRCh38, 1-based): chr7:84,014,218, C>G on the plus strand (G>C on the coding strand, the complement: SEMA3A is on the minus strand). VCF-style: chr7-84014218-C-G. GRCh37 (hg19) VCF-style: chr7-83643534-C-G.
Other names: short protein forms Q267H.
Identifiers: ClinVar variation 3349349 (VCV003349349.1).